The following is an entry in ClinVar:

ClinVar aggregate classification (germline): Uncertain significance. Review status: criteria provided, multiple submitters, no conflicts (2 of 4 stars). 2 submissions from 2 submitters: Uncertain significance (2). Last evaluated 2025-01-12.

Conditions:
Hereditary leiomyomatosis and renal cell cancer. Also called: FH tumor predisposition syndrome; Multiple cutaneous leiomyomas; Familial leiomyomatosis; MULTIPLE CUTANEOUS AND UTERINE LEIOMYOMATA 1, WITH OR WITHOUT RENAL CELL CARCINOMA; Reed syndrome; Multiple cutaneous and uterine leiomyomatosis. Identifiers: Orphanet 523, MedGen C1708350, MONDO:0007888, OMIM 150800, HP:0007437. Disease mechanism: loss of function.
Fumarase deficiency (FMRD). Also called: Fumarate Hydratase Deficiency; Fumaric aciduria. Identifiers: Orphanet 24, MedGen C0342770, MONDO:0011730, OMIM 606812.

Allele frequency attached by ClinVar (database versions not stated): gnomAD exomes 0.00001; ExAC 0.00007.
gnomAD v4.1: 15 of 1,547,488 alleles (0.00097%); highest among the groups gnomAD compares: Non-Finnish European, 0.0012%; no homozygotes.

Submissions (2):

Labcorp Genetics (formerly Invitae), Labcorp
Classification: Uncertain significance. Last evaluated: 2025-01-12. Review status: criteria provided, single submitter. Criteria: Invitae Variant Classification Sherloc (09022015). Collection method: clinical testing. Allele origin: germline.
Comment: This sequence change replaces arginine, which is basic and polar, with glutamine, which is neutral and polar, at codon 16 of the FH protein (p.Arg16Gln). This variant is present in population databases (rs762310232, gnomAD 0.002%). This variant has not been reported in the literature in individuals affected with FH-related conditions. ClinVar contains an entry for this variant (Variation ID: 2150842). Invitae Evidence Modeling of protein sequence and biophysical properties (such as structural, functional, and spatial information, amino acid conservation, physicochemical variation, residue mobility, and thermodynamic stability) indicates that this missense variant is not expected to disrupt FH protein function with a negative predictive value of 95%. In summary, the available evidence is currently insufficient to determine the role of this variant in disease. Therefore, it has been classified as a Variant of Uncertain Significance.

Fulgent Genetics
Classification: Uncertain significance for Hereditary leiomyomatosis and renal cell cancer; Fumarase deficiency. Last evaluated: 2024-01-18. Review status: criteria provided, single submitter. Criteria: ACMG Guidelines, 2015. Collection method: clinical testing. Allele origin: germline.

NM_000143.4(FH):c.47G>A (p.Arg16Gln)

Gene: FH (fumarate hydratase; minus strand). Cytogenetic location: 1q43.
Variant type: single nucleotide variant.
Coding change: c.47G>A on transcript NM_000143.4 (MANE Select); coding-DNA position 47, G replaced by A.
Protein change: p.Arg16Gln; replaces arginine 16 with glutamine.
Molecular consequence: missense variant.
Genome position (GRCh38, 1-based): chr1:241,519,676, C>T on the plus strand (G>A on the coding strand, the complement: FH is on the minus strand). VCF-style: chr1-241519676-C-T. GRCh37 (hg19) VCF-style: chr1-241682976-C-T.
Other names: short protein forms R16Q.
Identifiers: ClinVar variation 2150842 (VCV002150842.5), dbSNP rs762310232, ClinGen allele CA1478781.